The following is an entry in ClinVar:

ClinVar aggregate classification (germline): Uncertain significance. Review status: criteria provided, multiple submitters, no conflicts (2 of 4 stars). 3 submissions from 3 submitters: Uncertain significance (3). Last evaluated 2025-07-07.

Conditions:
Inborn genetic diseases. Identifiers: MedGen C0950123, MeSH D030342.

Allele frequency attached by ClinVar (database versions not stated): ExAC 0.00001; gnomAD exomes 0.00004 and 0.00002; gnomAD 0.00005 and 0.00006; TOPMed 0.00006.
gnomAD v4.1: 32 of 1,209,617 alleles (0.0026%); highest among the groups gnomAD compares: Admixed American, 0.022%; no homozygotes.

Submissions (3):

Labcorp Genetics (formerly Invitae), Labcorp
Classification: Uncertain significance. Last evaluated: 2025-07-07. Review status: criteria provided, single submitter. Criteria: Invitae Variant Classification Sherloc (09022015). Collection method: clinical testing. Allele origin: germline.
Comment: This sequence change replaces tyrosine, which is neutral and polar, with cysteine, which is neutral and slightly polar, at codon 85 of the MSN protein (p.Tyr85Cys). This variant is present in population databases (rs758203614, gnomAD 0.02%), including at least one homozygous and/or hemizygous individual. This variant has not been reported in the literature in individuals affected with MSN-related conditions. ClinVar contains an entry for this variant (Variation ID: 1677318). An algorithm developed to predict the effect of missense changes on protein structure and function (PolyPhen-2) suggests that this variant is likely to be disruptive. In summary, the available evidence is currently insufficient to determine the role of this variant in disease. Therefore, it has been classified as a Variant of Uncertain Significance.

Ambry Genetics
Classification: Uncertain significance for Inborn genetic diseases. Last evaluated: 2024-07-16. Review status: criteria provided, single submitter. Criteria: Ambry Variant Classification Scheme 2023. Collection method: clinical testing. Allele origin: germline.

AiLife Diagnostics
Classification: Uncertain significance. Last evaluated: 2021-07-01. Review status: criteria provided, single submitter. Criteria: ACMG Guidelines, 2015. Collection method: clinical testing. Allele origin: germline. Affected: yes. Observed: 1 variant allele.

NM_002444.3(MSN):c.254A>G (p.Tyr85Cys)

Gene: MSN (moesin; plus strand). Cytogenetic location: Xq12.
Variant type: single nucleotide variant.
Coding change: c.254A>G on transcript NM_002444.3 (MANE Select); coding-DNA position 254, A replaced by G.
Protein change: p.Tyr85Cys; replaces tyrosine 85 with cysteine.
Molecular consequence: missense variant.
Genome position (GRCh38, 1-based): chrX:65,729,499, A>G. VCF-style: chrX-65729499-A-G. GRCh37 (hg19) VCF-style: chrX-64949361-A-G.
Other names: c.254A>G (NM_002444.2); short protein forms Y85C.
Identifiers: ClinVar variation 1677318 (VCV001677318.5), dbSNP rs758203614, ClinGen allele CA10434478.